The following is an entry in ClinVar:

NM_001374736.1(DST):c.13062G>C (p.Lys4354Asn)

Gene: DST (dystonin; minus strand). Cytogenetic location: 6p12.1.
Variant type: single nucleotide variant.
Coding change: c.13062G>C on transcript NM_001374736.1 (MANE Select); coding-DNA position 13062, G replaced by C.
Protein change: p.Lys4354Asn; replaces lysine 4354 with asparagine.
Molecular consequence: missense variant.
Genome position (GRCh38, 1-based): chr6:56,573,853, C>G on the plus strand (G>C on the coding strand, the complement: DST is on the minus strand). VCF-style: chr6-56573853-C-G. GRCh37 (hg19) VCF-style: chr6-56438651-C-G.
Other names: c.6705G>C, p.Lys2235Asn (NM_001144769.5); c.6291G>C, p.Lys2097Asn (NM_001144770.2); c.13062G>C, p.Lys4354Asn (NM_001374722.1); c.12429G>C, p.Lys4143Asn (NM_001374729.1); c.6171G>C, p.Lys2057Asn (NM_001374730.1, NM_001386100.1, NM_183380.4); c.13089G>C, p.Lys4363Asn (NM_001374734.1); c.5193G>C, p.Lys1731Asn (NM_015548.5); short protein forms K2057N, K2097N, K4354N, K1731N, K4143N, K4363N, K2235N.
Identifiers: ClinVar variation 1389987 (VCV001389987.6), dbSNP rs745945210, ClinGen allele CA3868288.
Genomic context (GRCh38, chr6:56,573,853, plus strand): 5'-CTGCACACTCAGTGAACGGGTCAAGGTTATCTGGAGTTTTTCATTTCGTTCATTAACAGA[C>G]TTGGACAGATCCTCATATCTCCCAACAATGTCATCTACTCCAAACAGATCAGGAATATTA-3'
Protein context (NP_001361665.1, residues 4344-4364): DIVGRYEDLS[Lys4354Asn]SVNERNEKLQ

ClinVar aggregate classification (germline): Uncertain significance. Review status: criteria provided, multiple submitters, no conflicts (2 of 4 stars). 2 submissions from 2 submitters: Uncertain significance (2). Last evaluated 2023-05-15.

Conditions:
Hereditary sensory and autonomic neuropathy type 6. Also called: HSAN VI; Neuropathy, hereditary sensory and autonomic, type VI. Identifiers: Orphanet 314381, MedGen C3539003, MONDO:0013839, OMIM 614653.
Epidermolysis bullosa simplex 3, localized or generalized intermediate, with BP230 deficiency (EBS3). Also called: Epidermolysis bullosa simplex due to BP230 deficiency; Epidermolysis bullosa simplex, autosomal recessive 2. Identifiers: Orphanet 412181, MedGen C3809470, MONDO:0014180, OMIM 615425.
Inborn genetic diseases. Identifiers: MedGen C0950123, MeSH D030342.

Allele frequency attached by ClinVar (database versions not stated): gnomAD 0.00003.
gnomAD v4.1: 15 of 1,613,134 alleles (0.00093%); highest among the groups gnomAD compares: Admixed American, 0.02%; no homozygotes.

Submissions (2):

Labcorp Genetics (formerly Invitae), Labcorp
Classification: Uncertain significance for Epidermolysis bullosa simplex 3, localized or generalized intermediate, with BP230 deficiency; Hereditary sensory and autonomic neuropathy type 6. Last evaluated: 2023-05-15. Review status: criteria provided, single submitter. Criteria: Invitae Variant Classification Sherloc (09022015). Collection method: clinical testing. Allele origin: germline.
Comment: In summary, the available evidence is currently insufficient to determine the role of this variant in disease. Therefore, it has been classified as a Variant of Uncertain Significance. Experimental studies and prediction algorithms are not available or were not evaluated, and the functional significance of this variant is currently unknown. This variant has not been reported in the literature in individuals affected with DST-related conditions. This variant is present in population databases (rs745945210, gnomAD 0.02%). This sequence change replaces lysine with asparagine at codon 1731 of the DST protein (p.Lys1731Asn). The DST gene has multiple clinically relevant transcripts. This variant occurs in alternate transcript NM_015548.4, and corresponds to NM_001723.5:c.*41664G>C in the primary transcript.

Ambry Genetics
Classification: Uncertain significance for Inborn genetic diseases. Last evaluated: 2020-03-19. Review status: criteria provided, single submitter. Criteria: Ambry Variant Classification Scheme 2023. Collection method: clinical testing. Allele origin: germline.
Comment: The p.K2235N variant (also known as c.6705G>C), located in coding exon 45 of the DST gene, results from a G to C substitution at nucleotide position 6705. The lysine at codon 2235 is replaced by asparagine, an amino acid with similar properties. This amino acid position is well conserved in available vertebrate species. In addition, this alteration is predicted to be tolerated by in silico analysis. Since supporting evidence is limited at this time, the clinical significance of this alteration remains unclear.